The following is an entry in ClinVar:

ClinVar aggregate classification (germline): Uncertain significance (1 of 4 stars; one submission).

Conditions:
Jeune thoracic dystrophy. Also called: Short-rib thoracic dysplasia; Jeune syndrome; Infantile thoracic dystrophy; Thoracic pelvic phalangeal dystrophy; Jeune's syndrome; Chondroectodermal dysplasia-like syndrome. Identifiers: Orphanet 474, MedGen C0265275, MONDO:0018770.

gnomAD v4.1: 5 of 1,613,256 alleles (0.00031%); no homozygotes.

Submission:

Labcorp Genetics (formerly Invitae), Labcorp
Classification: Uncertain significance for Jeune thoracic dystrophy. Last evaluated: 2022-10-24. Review status: criteria provided, single submitter. Criteria: Invitae Variant Classification Sherloc (09022015). Collection method: clinical testing. Allele origin: germline.
Comment: This sequence change replaces alanine, which is neutral and non-polar, with glycine, which is neutral and non-polar, at codon 3778 of the DYNC2H1 protein (p.Ala3778Gly). This variant is present in population databases (rs760635983, gnomAD 0.03%). This variant has not been reported in the literature in individuals affected with DYNC2H1-related conditions. Advanced modeling of protein sequence and biophysical properties (such as structural, functional, and spatial information, amino acid conservation, physicochemical variation, residue mobility, and thermodynamic stability) has been performed at Invitae for this missense variant, however the output from this modeling did not meet the statistical confidence thresholds required to predict the impact of this variant on DYNC2H1 protein function. In summary, the available evidence is currently insufficient to determine the role of this variant in disease. Therefore, it has been classified as a Variant of Uncertain Significance.

NM_001377.3(DYNC2H1):c.11312C>G (p.Ala3771Gly)

Gene: DYNC2H1 (dynein cytoplasmic 2 heavy chain 1; plus strand). Cytogenetic location: 11q22.3.
Variant type: single nucleotide variant.
Coding change: c.11312C>G on transcript NM_001377.3 (MANE Select); coding-DNA position 11312, C replaced by G.
Protein change: p.Ala3771Gly; replaces alanine 3771 with glycine.
Molecular consequence: missense variant.
Genome position (GRCh38, 1-based): chr11:103,304,650, C>G. VCF-style: chr11-103304650-C-G. GRCh37 (hg19) VCF-style: chr11-103175379-C-G.
Other names: c.11333C>G, p.Ala3778Gly (NM_001080463.2); short protein forms A3778G, A3771G.
Identifiers: ClinVar variation 1905174 (VCV001905174.2), dbSNP rs760635983, ClinGen allele CA6255230.
Genomic context (GRCh38, chr11:103,304,650, plus strand): 5'-TGTAGGTTGCCATGGGTCAAGGTCAAGCTGATTTAGCAATTCAAATGCTAAAAGAATGTG[C>G]CCGCAATGGAGACTGGCTCTGTTTGAAGAACTTACATCTTGTGGTATCTTGGCTGCCAGT-3'
Protein context (NP_001368.2, residues 3761-3781): DLAIQMLKEC[Ala3771Gly]RNGDWLCLKN